The following is an entry in ClinVar:

NM_000091.5(COL4A3):c.4929-394_4929-392del

Genes: COL4A3 (collagen type IV alpha 3 chain; plus strand), MFF-DT (MFF divergent transcript; minus strand). Cytogenetic location: 2q36.3.
Variant type: Deletion.
Coding change: c.4929-394_4929-392del on transcript NM_000091.5 (MANE Select); 394 bases into the intron before coding-DNA position 4929 through 392 bases into the intron before coding-DNA position 4929, 3 bases deleted (TTT; older notation c.4929-394_4929-392delTTT).
Molecular consequence: intron variant.
Genome position (GRCh38, 1-based): chr2:227,311,392-227,311,394, TTT deleted; deleting any 3 consecutive bases within chr2:227,311,381-227,311,394 gives the same sequence; the c. name uses the placement nearest the transcript's 3' end. VCF-style (leftmost placement, unchanged base first): chr2-227311380-CTTT-C. GRCh37 (hg19) VCF-style: chr2-228176096-CTTT-C.
Identifiers: ClinVar variation 3057426 (VCV003057426.2), dbSNP rs11286889, ClinGen allele CA765678267.

ClinVar aggregate classification (germline): Likely benign (0 of 4 stars; one submission).

Conditions:
COL4A3-related disorder. Also called: COL4A3-related condition; COL4A3-Related Disorders.

Submission:

PreventionGenetics, part of Exact Sciences
Classification: Likely benign for COL4A3-related condition. Last evaluated: 2024-02-16. Review status: no assertion criteria provided. Collection method: clinical testing. Allele origin: germline.
Comment: This variant is classified as likely benign based on ACMG/AMP sequence variant interpretation guidelines (Richards et al. 2015 PMID: 25741868, with internal and published modifications).